The following is an entry in ClinVar:

NM_000070.3(CAPN3):c.1813G>A (p.Val605Ile)

Gene: CAPN3 (calpain 3; plus strand). Cytogenetic location: 15q15.1.
Variant type: single nucleotide variant.
Coding change: c.1813G>A on transcript NM_000070.3 (MANE Select); coding-DNA position 1813, G replaced by A.
Protein change: p.Val605Ile; replaces valine 605 with isoleucine.
Molecular consequence: missense variant. On other transcripts: intron variant (3).
Genome position (GRCh38, 1-based): chr15:42,408,223, G>A. VCF-style: chr15-42408223-G-A. GRCh37 (hg19) VCF-style: chr15-42700421-G-A.
Other names: c.1795G>A, p.Val599Ile (NM_024344.2); c.277G>A, p.Val93Ile (NM_173088.2); c.1639-1080G>A (NM_173087.2); c.-81-1080G>A (NM_173090.2, NM_173089.2); short protein forms V599I, V605I, V93I.
Identifiers: ClinVar variation 863064 (VCV000863064.11), dbSNP rs200759807, ClinGen allele CA7511565.

ClinVar aggregate classification (germline): Uncertain significance. Review status: criteria provided, multiple submitters, no conflicts (2 of 4 stars). 7 submissions from 7 submitters: Uncertain significance (6). 1 of the submissions does not count toward it. Last evaluated 2025-08-29.

Conditions:
Inborn genetic diseases. Identifiers: MedGen C0950123, MeSH D030342.
Autosomal recessive limb-girdle muscular dystrophy type 2A (LGMDR1). Also called: LEYDEN-MOEBIUS MUSCULAR DYSTROPHY; MUSCULAR DYSTROPHY, PELVOFEMORAL; Limb-girdle muscular dystrophy, type 2A; Calpainopathy; Muscular dystrophy, limb-girdle, type 2A, Amish. Identifiers: Orphanet 267, MedGen C1869123, MONDO:0009675, OMIM 253600. Disease mechanism: loss of function.

Allele frequency attached by ClinVar (database versions not stated): gnomAD exomes 0.00006; ExAC 0.00007; TOPMed 0.00020; gnomAD 0.00021 and 0.00022; 1000 Genomes Project 30x 0.00031; 1000 Genomes Project 0.00040; ESP Exome Variant Server 0.00046.
gnomAD v4.1: 64 of 1,613,010 alleles (0.004%); highest among the groups gnomAD compares: African/African-American, 0.065%; no homozygotes.

Submissions (7):

Myriad Genetics, Inc.
Classification: Uncertain significance for Autosomal recessive limb-girdle muscular dystrophy type 2A. Last evaluated: 2025-08-29. Review status: criteria provided, single submitter. Criteria: Myriad Autosomal Dominant, Autosomal Recessive and X-Linked Classification Criteria (2023). Collection method: clinical testing. Allele origin: unknown.
Comment: NM_000070.2(CAPN3):c.1813G>A(V605I) is a missense variant classified as a variant of uncertain significance in the context of calpainopathy. V605I has not been observed in cases with relevant disease. Relevant functional assessments of this variant are not available in the literature. V605I has been observed in referenced population frequency databases. In summary, there is insufficient evidence to classify NM_000070.2(CAPN3):c.1813G>A(V605I) as pathogenic or benign. Please note: this variant was assessed in the context of healthy population screening.

Ambry Genetics
Classification: Uncertain significance for Inborn genetic diseases. Last evaluated: 2025-08-20. Review status: criteria provided, single submitter. Criteria: Ambry Variant Classification Scheme 2023. Collection method: clinical testing. Allele origin: germline.

Labcorp Genetics (formerly Invitae), Labcorp
Classification: Uncertain significance for Autosomal recessive limb-girdle muscular dystrophy type 2A. Last evaluated: 2025-01-21. Review status: criteria provided, single submitter. Criteria: Invitae Variant Classification Sherloc (09022015). Collection method: clinical testing. Allele origin: germline.
Comment: This sequence change replaces valine, which is neutral and non-polar, with isoleucine, which is neutral and non-polar, at codon 605 of the CAPN3 protein (p.Val605Ile). This variant is present in population databases (rs200759807, gnomAD 0.08%). This variant has not been reported in the literature in individuals affected with CAPN3-related conditions. ClinVar contains an entry for this variant (Variation ID: 863064). Invitae Evidence Modeling of protein sequence and biophysical properties (such as structural, functional, and spatial information, amino acid conservation, physicochemical variation, residue mobility, and thermodynamic stability) has been performed for this missense variant. However, the output from this modeling did not meet the statistical confidence thresholds required to predict the impact of this variant on CAPN3 protein function. In summary, the available evidence is currently insufficient to determine the role of this variant in disease. Therefore, it has been classified as a Variant of Uncertain Significance.

GeneDx
Classification: Uncertain significance. Last evaluated: 2024-12-31. Review status: criteria provided, single submitter. Criteria: GeneDx Variant Classification Process June 2021. Collection method: clinical testing. Allele origin: germline. Affected: yes.
Comment: In silico analysis indicates that this missense variant does not alter protein structure/function; Has not been previously published as pathogenic or benign to our knowledge

Women's Health and Genetics/Laboratory Corporation of America, LabCorp
Classification: Uncertain significance. Last evaluated: 2023-11-21. Review status: criteria provided, single submitter. Criteria: LabCorp Variant Classification Summary - May 2015. Collection method: clinical testing. Allele origin: germline.
Comment: Variant summary: CAPN3 c.1813G>A (p.Val605Ile) results in a conservative amino acid change in the encoded protein sequence. Three of five in-silico tools predict a benign effect of the variant on protein function. The variant allele was found at a frequency of 6e-05 in 251386 control chromosomes. This frequency is not significantly higher than estimated for a pathogenic variant in CAPN3 causing Limb-Girdle Muscular Dystrophy, Autosomal Recessive (6e-05 vs 0.0032), allowing no conclusion about variant significance. To our knowledge, no occurrence of c.1813G>A in individuals affected with Limb-Girdle Muscular Dystrophy, Autosomal Recessive and no experimental evidence demonstrating its impact on protein function have been reported. Three submitters have cited clinical-significance assessments for this variant to ClinVar after 2014, and all submitters classified the variant as uncertain significance. Based on the evidence outlined above, the variant was classified as uncertain significance.

Revvity Omics, Revvity
Classification: Uncertain significance. Last evaluated: 2023-08-17. Review status: criteria provided, single submitter. Criteria: ACMG Guidelines, 2015. Collection method: clinical testing. Allele origin: germline.

Natera, Inc.
Classification: Uncertain significance for Limb-girdle muscular dystrophy type 2A. Last evaluated: 2020-09-16. Review status: no assertion criteria provided. Collection method: clinical testing. Allele origin: germline. Not counted in ClinVar's aggregate classification.